The following is an entry in ClinVar:

NM_173728.4(ARHGEF15):c.1957T>G (p.Phe653Val)

Gene: ARHGEF15 (Rho guanine nucleotide exchange factor 15; plus strand). Cytogenetic location: 17p13.1.
Variant type: single nucleotide variant.
Coding change: c.1957T>G on transcript NM_173728.4 (MANE Select); coding-DNA position 1957, T replaced by G.
Protein change: p.Phe653Val; replaces phenylalanine 653 with valine.
Molecular consequence: missense variant.
Genome position (GRCh38, 1-based): chr17:8,318,834, T>G. VCF-style: chr17-8318834-T-G. GRCh37 (hg19) VCF-style: chr17-8222152-T-G.
Other names: c.1957T>G, p.Phe653Val (NM_025014.2); short protein forms F653V.
Identifiers: ClinVar variation 2063911 (VCV002063911.4), dbSNP rs2543947987, ClinGen allele CA398023633.
Genomic context (GRCh38, chr17:8,318,834, plus strand): 5'-CGGCGCCTGGAATTCCAGGGAGAGCTGACTGAGTTAGGGTGCCGGAGGGGGGGCGTGCTC[T>G]TTGCCTCGCGCCCCCGCTTCACCCCTCTTTGCCTGCTGCTCTTTAGCGACCTGCTGCTCA-3'
Protein context (NP_776089.2, residues 643-663): ELGCRRGGVL[Phe653Val]ASRPRFTPLC

ClinVar aggregate classification (germline): Uncertain significance (1 of 4 stars; one submission).

Conditions:
Early-infantile DEE. Also called: Early infantile epileptic encephalopathy; Ohtahara syndrome; Early infantile epileptic encephalopathy with suppression bursts. Identifiers: Orphanet 1934, MedGen C0393706, MONDO:0800491.

Submission:

Labcorp Genetics (formerly Invitae), Labcorp
Classification: Uncertain significance for Early-infantile DEE. Last evaluated: 2022-08-16. Review status: criteria provided, single submitter. Criteria: Invitae Variant Classification Sherloc (09022015). Collection method: clinical testing. Allele origin: germline.
Comment: Algorithms developed to predict the effect of missense changes on protein structure and function are either unavailable or do not agree on the potential impact of this missense change (SIFT: "Deleterious"; PolyPhen-2: "Benign"; Align-GVGD: "Class C45"). In summary, the available evidence is currently insufficient to determine the role of this variant in disease. Therefore, it has been classified as a Variant of Uncertain Significance. This variant has not been reported in the literature in individuals affected with ARHGEF15-related conditions. This variant is not present in population databases (gnomAD no frequency). This sequence change replaces phenylalanine, which is neutral and non-polar, with valine, which is neutral and non-polar, at codon 653 of the ARHGEF15 protein (p.Phe653Val).